The following is an entry in ClinVar:

ClinVar aggregate classification (germline): Uncertain significance (1 of 4 stars; one submission).

Conditions:
Familial thoracic aortic aneurysm and aortic dissection (TAAD). Also called: Thoracic aortic aneurysms and dissections. Identifiers: Orphanet 91387, MedGen C4707243, MONDO:0019625.
Marfan syndrome (MFS). Also called: Marfan syndrome type 1; Marfan syndrome, classic; Marfan's syndrome; FBN1-Related Marfan Syndrome; MARFAN SYNDROME, TYPE I. Identifiers: Orphanet 284963, Orphanet 558, MedGen C0024796, MONDO:0007947, OMIM 154700.

Submission:

Labcorp Genetics (formerly Invitae), Labcorp
Classification: Uncertain significance for Marfan syndrome; Familial thoracic aortic aneurysm and aortic dissection. Last evaluated: 2017-09-22. Review status: criteria provided, single submitter. Criteria: Invitae Variant Classification Sherloc (09022015). Collection method: clinical testing. Allele origin: germline.
Comment: Algorithms developed to predict the effect of missense changes on protein structure and function do not agree on the potential impact of this missense change (SIFT: "Deleterious"; PolyPhen-2: "Probably Damaging"; Align-GVGD: "Class C0"). In summary, the available evidence is currently insufficient to determine the role of this variant in disease. Therefore, it has been classified as a Variant of Uncertain Significance. This variant has not been reported in the literature in individuals with FBN1-related disease. This variant is not present in population databases (ExAC no frequency). This sequence change replaces valine with leucine at codon 2222 of the FBN1 protein (p.Val2222Leu). The valine residue is highly conserved and there is a small physicochemical difference between valine and leucine.

NM_000138.5(FBN1):c.6664G>C (p.Val2222Leu)

Gene: FBN1 (fibrillin 1; minus strand). Cytogenetic location: 15q21.1.
Variant type: single nucleotide variant.
Coding change: c.6664G>C on transcript NM_000138.5 (MANE Select); coding-DNA position 6664, G replaced by C.
Protein change: p.Val2222Leu; replaces valine 2222 with leucine.
Molecular consequence: missense variant.
Genome position (GRCh38, 1-based): chr15:48,432,941, C>G on the plus strand (G>C on the coding strand, the complement: FBN1 is on the minus strand). VCF-style: chr15-48432941-C-G. GRCh37 (hg19) VCF-style: chr15-48725138-C-G.
Other names: short protein forms V2222L.
Identifiers: ClinVar variation 527182 (VCV000527182.8), dbSNP rs1555394920, ClinGen allele CA392333545.
Genomic context (GRCh38, chr15:48,432,941, plus strand): 5'-GGTCTTCTCTGAGCACATATCCCACGGGACATTTGCATTCATATGACCCATAAGTGTTCA[C>G]ACATCGGAAGGCACAGAGCAGAGGATTCTGGGCACATTCATTTATATCTGCAGCAGAGGA-3'
Protein context (NP_000129.3, residues 2212-2232): QNPLLCAFRC[Val2222Leu]NTYGSYECKC